The following is an entry in ClinVar:

ClinVar aggregate classification (germline): Uncertain significance (1 of 4 stars; one submission).

Submission:

Women's Health and Genetics/Laboratory Corporation of America, LabCorp
Classification: Uncertain significance. Last evaluated: 2026-02-12. Review status: criteria provided, single submitter. Criteria: LabCorp Variant Classification Summary - May 2015. Collection method: clinical testing. Allele origin: germline.
Comment: Variant summary: TCF3 c.1399A>G (p.Ser467Gly) results in a non-conservative amino acid change in the encoded protein sequence. Algorithms developed to predict the effect of missense changes on protein structure and function are either unavailable or do not agree on the potential impact of this missense change. The variant was absent in 240152 control chromosomes. The available data on variant occurrences in the general population are insufficient to allow any conclusion about variant significance. To our knowledge, no occurrence of c.1399A>G in individuals affected with TCF3-related conditions and no experimental evidence demonstrating its impact on protein function have been reported. No submitters have cited clinical-significance assessments for this variant to ClinVar. Based on the evidence outlined above, the variant was classified as uncertain significance.

NM_003200.5(TCF3):c.1399A>G (p.Ser467Gly)

Gene: TCF3 (transcription factor 3; minus strand). Cytogenetic location: 19p13.3.
Variant type: single nucleotide variant.
Coding change: c.1399A>G on transcript NM_003200.5 (MANE Select); coding-DNA position 1399, A replaced by G.
Protein change: p.Ser467Gly; replaces serine 467 with glycine.
Molecular consequence: missense variant.
Genome position (GRCh38, 1-based): chr19:1,619,162, T>C on the plus strand (A>G on the coding strand, the complement: TCF3 is on the minus strand). VCF-style: chr19-1619162-T-C. GRCh37 (hg19) VCF-style: chr19-1619161-T-C.
Other names: c.1399A>G, p.Ser467Gly (NM_001136139.4, NM_001351779.2); c.1396A>G, p.Ser466Gly (NM_001351778.2); short protein forms S466G, S467G.
Identifiers: ClinVar variation 4847864 (VCV004847864.1).